The following is an entry in ClinVar:

NM_014738.6(TMEM94):c.924T>C (p.Thr308=)

Gene: TMEM94 (transmembrane protein 94; plus strand). Cytogenetic location: 17q25.1.
Variant type: single nucleotide variant.
Coding change: c.924T>C on transcript NM_014738.6 (MANE Select); coding-DNA position 924, T replaced by C.
Protein change: p.Thr308=; no amino-acid change (threonine 308 retained).
Molecular consequence: synonymous variant.
Genome position (GRCh38, 1-based): chr17:75,489,632, T>C. VCF-style: chr17-75489632-T-C. GRCh37 (hg19) VCF-style: chr17-73485713-T-C.
Other names: c.924T>C, p.Thr308= (NM_001438841.1, NM_001438842.1, NM_001438844.1 and 5 more transcripts); c.954T>C, p.Thr318= (NM_001438843.1, NM_001438846.1, NM_001321148.2 and 1 more transcripts).
Identifiers: ClinVar variation 4533983 (VCV004533983.6).
Genomic context (GRCh38, chr17:75,489,632, plus strand): 5'-ACAGGCCGGCTTCCTCATCACCAATGCCCTGCGCTTCATCTTCAGTGCCCCGGGGGTCAC[T>C]TCCTGGCAGTACACCCTCCTCCAGCTCCAGGCAAGGACCACCCTGTCCTCTCTGTCATGC-3'
Protein context (NP_055553.3, residues 298-318): LRFIFSAPGV[Thr308=]SWQYTLLQLQ

ClinVar aggregate classification (germline): Likely benign (1 of 4 stars; one submission).

gnomAD v4.1: 11 of 1,614,024 alleles (0.00068%); highest among the groups gnomAD compares: Middle Eastern, 0.016%; no homozygotes.

Submission:

CeGaT Center for Human Genetics Tuebingen
Classification: Likely benign. Last evaluated: 2025-10-01. Review status: criteria provided, single submitter. Criteria: CeGaT Center For Human Genetics Tuebingen Variant Classification Criteria Version 2. Collection method: clinical testing. Allele origin: germline. Affected: yes. Observed: 1 variant allele.
Comment: TMEM94: BP4, BP7